The following is an entry in ClinVar:

ClinVar aggregate classification (germline): Conflicting classifications of pathogenicity. Review status: criteria provided, conflicting classifications (1 of 4 stars). 2 submissions from 2 submitters: Uncertain significance (1); Likely benign (1). Last evaluated 2023-05-15.

Conditions:
Catecholaminergic polymorphic ventricular tachycardia (CVPT). Also called: Catecholamine-induced polymorphic ventricular tachycardia. Identifiers: Orphanet 3286, MedGen C5574922, MONDO:0017990.
Catecholaminergic polymorphic ventricular tachycardia 1. Also called: VENTRICULAR TACHYCARDIA, CATECHOLAMINERGIC POLYMORPHIC, 1, WITH OR WITHOUT ATRIAL DYSFUNCTION AND/OR DILATED CARDIOMYOPATHY; VENTRICULAR TACHYCARDIA, STRESS-INDUCED POLYMORPHIC 1; RYR2-Related Catecholaminergic Polymorphic Ventricular Tachycardia. Identifiers: Orphanet 3286, MedGen C1631597, MONDO:0011484, OMIM 604772.

Allele frequency attached by ClinVar (database versions not stated): ExAC 0.00001; gnomAD exomes 0.00001.
gnomAD v4.1: 12 of 1,545,030 alleles (0.00078%); highest among the groups gnomAD compares: Non-Finnish European, 0.00098%; no homozygotes.

Submissions (2):

All of Us Research Program, National Institutes of Health
Classification: Likely benign for Catecholaminergic polymorphic ventricular tachycardia. Last evaluated: 2023-05-15. Review status: criteria provided, single submitter. Criteria: ACMG Guidelines, 2015. Collection method: clinical testing. Allele origin: germline. Inheritance: Autosomal dominant inheritance. Observed: 1 variant allele, 1 heterozygote.
Comment: This study involves interpretation of variants in research participants for the purpose of population health screening. Participant phenotype was not available at the time of variant classification. Additional details can be found in publication PMID: 35346344, PMCID: PMC8962531

Labcorp Genetics (formerly Invitae), Labcorp
Classification: Uncertain significance for Catecholaminergic polymorphic ventricular tachycardia 1. Last evaluated: 2023-01-18. Review status: criteria provided, single submitter. Criteria: Invitae Variant Classification Sherloc (09022015). Collection method: clinical testing. Allele origin: germline.
Comment: In summary, the available evidence is currently insufficient to determine the role of this variant in disease. Therefore, it has been classified as a Variant of Uncertain Significance. Algorithms developed to predict the effect of sequence changes on RNA splicing suggest that this variant may disrupt the consensus splice site. This variant has not been reported in the literature in individuals affected with RYR2-related conditions. This variant is present in population databases (rs747270146, gnomAD 0.0009%). This sequence change falls in intron 65 of the RYR2 gene. It does not directly change the encoded amino acid sequence of the RYR2 protein.

NM_001035.3(RYR2):c.9368-11T>C

Gene: RYR2 (ryanodine receptor 2; plus strand). Cytogenetic location: 1q43.
Variant type: single nucleotide variant.
Coding change: c.9368-11T>C on transcript NM_001035.3 (MANE Select); 11 bases into the intron before coding-DNA position 9368, T replaced by C.
Molecular consequence: intron variant.
Genome position (GRCh38, 1-based): chr1:237,701,967, T>C. VCF-style: chr1-237701967-T-C. GRCh37 (hg19) VCF-style: chr1-237865267-T-C.
Identifiers: ClinVar variation 2915022 (VCV002915022.4), dbSNP rs747270146, ClinGen allele CA087878.